The following is an entry in ClinVar:

NM_002439.5(MSH3):c.3000+4A>G

Gene: MSH3 (mutS homolog 3; plus strand). Cytogenetic location: 5q14.1.
Variant type: single nucleotide variant.
Coding change: c.3000+4A>G on transcript NM_002439.5 (MANE Select); 4 bases into the intron after coding-DNA position 3000, A replaced by G.
Molecular consequence: intron variant.
Genome position (GRCh38, 1-based): chr5:80,854,320, A>G. VCF-style: chr5-80854320-A-G. GRCh37 (hg19) VCF-style: chr5-80150139-A-G.
Other names: c.3000+4A>G (NM_002439.3).
Identifiers: ClinVar variation 1013831 (VCV001013831.7), dbSNP rs1745881166, ClinGen allele CA1558578819.

ClinVar aggregate classification (germline): Conflicting classifications of pathogenicity. Review status: criteria provided, conflicting classifications (1 of 4 stars). 2 submissions from 2 submitters: Uncertain significance (1); Likely benign (1). Last evaluated 2025-10-02.

Conditions:
Hereditary cancer-predisposing syndrome. Also called: Hereditary Cancer Syndrome; Tumor predisposition; Neoplastic Syndromes, Hereditary; Hereditary neoplastic syndrome. Identifiers: Orphanet 140162, MedGen C0027672, MeSH D009386, MONDO:0015356.

Submissions (2):

Ambry Genetics
Classification: Uncertain significance for Hereditary cancer-predisposing syndrome. Last evaluated: 2025-10-02. Review status: criteria provided, single submitter. Criteria: Ambry Variant Classification Scheme 2023. Collection method: clinical testing. Allele origin: germline.
Comment: The c.3000+4A>G intronic variant results from an A to G substitution 4 nucleotides after coding exon 21 in the MSH3 gene. This nucleotide position is well conserved in available vertebrate species. In silico splice site analysis for this alteration is inconclusive. Based on the available evidence, the clinical significance of this variant remains unclear.

Labcorp Genetics (formerly Invitae), Labcorp
Classification: Likely benign. Last evaluated: 2023-10-13. Review status: criteria provided, single submitter. Criteria: Invitae Variant Classification Sherloc (09022015). Collection method: clinical testing. Allele origin: germline.